The following is an entry in ClinVar:

ClinVar aggregate classification (germline): Uncertain significance. Review status: criteria provided, multiple submitters, no conflicts (2 of 4 stars). 6 submissions from 6 submitters: Uncertain significance (4). 2 of the submissions do not count toward it. Last evaluated 2023-12-13.

Conditions:
CFTR-related disorder (CFTR-RD). Also called: CFTR-related disorders; CFTR-related condition. Identifiers: MedGen C5924204, MONDO:7770004.
Cystic fibrosis (CF). Also called: MUCOVISCIDOSIS. Identifiers: Orphanet 586, MedGen C0010674, MONDO:0009061, OMIM 219700. Disease mechanism: loss of function.

Allele frequency attached by ClinVar (database versions not stated): gnomAD exomes below 0.00001 and 0.00001; ExAC 0.00001.
gnomAD v4.1: 3 of 1,612,366 alleles (0.00019%); highest among the groups gnomAD compares: Non-Finnish European, 0.00025%; no homozygotes.

Submissions (6):

Ambry Genetics
Classification: Uncertain significance for Cystic fibrosis. Last evaluated: 2023-12-13. Review status: criteria provided, single submitter. Criteria: Ambry Variant Classification Scheme 2023. Collection method: clinical testing. Allele origin: germline.
Comment: The p.E407V variant (also known as c.1220A>T), located in coding exon 10 of the CFTR gene, results from an A to T substitution at nucleotide position 1220. The glutamic acid at codon 407 is replaced by valine, an amino acid with dissimilar properties. This amino acid position is well conserved in available vertebrate species. In addition, this alteration is predicted to be deleterious by in silico analysis. Since supporting evidence is limited at this time, the clinical significance of this alteration remains unclear.

Women's Health and Genetics/Laboratory Corporation of America, LabCorp
Classification: Uncertain significance. Last evaluated: 2023-11-27. Review status: criteria provided, single submitter. Criteria: LabCorp Variant Classification Summary - May 2015. Collection method: clinical testing. Allele origin: germline.
Comment: Variant summary: CFTR c.1220A>T (p.Glu407Val) results in a non-conservative amino acid change located in the Cystic fibrosis transmembrane conductance regulator, ATP-binding cassette domain 1 (IPR047082) of the encoded protein sequence. Four of five in-silico tools predict a damaging effect of the variant on protein function. The variant allele was found at a frequency of 4e-06 in 247244 control chromosomes (gnomAD). The available data on variant occurrences in the general population are insufficient to allow any conclusion about variant significance. To our knowledge, no occurrence of c.1220A>T in individuals affected with Cystic Fibrosis and no experimental evidence demonstrating its impact on protein function have been reported in the literature, although a heterozygous individual with cystic fibrosis was reported in the Cystic Fibrosis Mutation Database. Four submitters have cited clinical-significance assessments for this variant to ClinVar after 2014. All submitters classified the variant as uncertain significance. Based on the evidence outlined above, the variant was classified as uncertain significance.

Genome-Nilou Lab
Classification: Uncertain significance for Cystic fibrosis. Last evaluated: 2021-09-05. Review status: criteria provided, single submitter. Criteria: ACMG Guidelines, 2015. Collection method: clinical testing. Allele origin: germline. Affected: no.

ARUP Laboratories, Molecular Genetics and Genomics, ARUP Laboratories
Classification: Uncertain significance. Last evaluated: 2020-04-06. Review status: criteria provided, single submitter. Criteria: ARUP Molecular Germline Variant Investigation Process. Collection method: clinical testing. Allele origin: germline.
Comment: The CFTR c.1220A>T; p.Glu407Val variant (rs397508180), to our knowledge, is not reported in the medical literature but is reported in the heterozygous state in an individual with cystic fibrosis in the cystic fibrosis mutation database (see link). This variant is also reported in ClinVar (Variation ID: 53219), but is only observed on one allele in the Genome Aggregation Database, indicating it is not a common polymorphism. The glutamic acid at codon 407 is highly conserved, and computational analyses (SIFT: damaging, PolyPhen-2: benign) predict conflicting effects of this variant on protein structure/function. Due to limited information, the clinical significance of the p.Glu407Val variant is uncertain at this time. References: Link to cystic fibrosis mutation database

Natera, Inc.
Classification: Uncertain significance for CFTR-related disorders. Last evaluated: 2018-05-16. Review status: no assertion criteria provided. Collection method: clinical testing. Allele origin: germline. Not counted in ClinVar's aggregate classification.

Counsyl
Classification: Uncertain significance for Cystic fibrosis. Last evaluated: 2017-09-26. Review status: no assertion criteria provided. Collection method: clinical testing. Allele origin: unknown. Not counted in ClinVar's aggregate classification.

NM_000492.4(CFTR):c.1220A>T (p.Glu407Val)

Genes: CFTR (CF transmembrane conductance regulator; plus strand), CFTR-AS1 (CFTR antisense RNA 1; minus strand). Cytogenetic location: 7q31.2.
Variant type: single nucleotide variant.
Coding change: c.1220A>T on transcript NM_000492.4 (MANE Select); coding-DNA position 1220, A replaced by T.
Protein change: p.Glu407Val; replaces glutamic acid 407 with valine.
Molecular consequence: missense variant.
Genome position (GRCh38, 1-based): chr7:117,548,651, A>T. VCF-style: chr7-117548651-A-T. GRCh37 (hg19) VCF-style: chr7-117188705-A-T.
Other names: short protein forms E407V.
Identifiers: ClinVar variation 53219 (VCV000053219.14), dbSNP rs397508180, ClinGen allele CA326439.